The following is an entry in ClinVar:

ClinVar aggregate classification (germline): Likely benign (0 of 4 stars; one submission).

Conditions:
SLCO1B3-related disorder. Also called: SLCO1B3-related condition.

Allele frequency attached by ClinVar (database versions not stated): TOPMed 0.00003.
gnomAD v4.1: 26 of 1,558,252 alleles (0.0017%); highest among the groups gnomAD compares: Non-Finnish European, 0.002%; no homozygotes.

Submission:

PreventionGenetics, part of Exact Sciences
Classification: Likely benign for SLCO1B3-related condition. Last evaluated: 2022-02-02. Review status: no assertion criteria provided. Collection method: clinical testing. Allele origin: germline.
Comment: This variant is classified as likely benign based on ACMG/AMP sequence variant interpretation guidelines (Richards et al. 2015 PMID: 25741868, with internal and published modifications).

NM_019844.4(SLCO1B3):c.1136-4C>T

Genes: SLCO1B3 (solute carrier organic anion transporter family member 1B3; plus strand), SLCO1B3-SLCO1B7 (SLCO1B3-SLCO1B7 readthrough; plus strand). Cytogenetic location: 12p12.2.
Variant type: single nucleotide variant.
Coding change: c.1136-4C>T on transcript NM_019844.4 (MANE Select); 4 bases into the intron before coding-DNA position 1136, C replaced by T.
Molecular consequence: intron variant.
Genome position (GRCh38, 1-based): chr12:20,879,432, C>T. VCF-style: chr12-20879432-C-T. GRCh37 (hg19) VCF-style: chr12-21032366-C-T.
Other names: c.1052-4C>T (NM_001349920.2); c.1136-4C>T (NM_001371097.1).
Identifiers: ClinVar variation 3030300 (VCV003030300.2), dbSNP rs958332597, ClinGen allele CA233491140.